The following is an entry in ClinVar:

NM_001136191.3(KANK2):c.775C>A (p.Pro259Thr)

Gene: KANK2 (KN motif and ankyrin repeat domains 2; minus strand). Cytogenetic location: 19p13.2.
Variant type: single nucleotide variant.
Coding change: c.775C>A on transcript NM_001136191.3 (MANE Select); coding-DNA position 775, C replaced by A.
Protein change: p.Pro259Thr; replaces proline 259 with threonine.
Molecular consequence: missense variant.
Genome position (GRCh38, 1-based): chr19:11,193,305, G>T on the plus strand (C>A on the coding strand, the complement: KANK2 is on the minus strand). VCF-style: chr19-11193305-G-T. GRCh37 (hg19) VCF-style: chr19-11303981-G-T.
Other names: c.775C>A, p.Pro259Thr (NM_001329451.2, NM_001379548.1, NM_001379549.1 and 15 more transcripts); short protein forms P259T.
Identifiers: ClinVar variation 3717265 (VCV003717265.2).

ClinVar aggregate classification (germline): Uncertain significance (1 of 4 stars; one submission).

gnomAD v4.1: 9 of 1,612,278 alleles (0.00056%); highest among the groups gnomAD compares: South Asian, 0.0099%; no homozygotes.

Submission:

Labcorp Genetics (formerly Invitae), Labcorp
Classification: Uncertain significance. Last evaluated: 2025-02-27. Review status: criteria provided, single submitter. Criteria: Invitae Variant Classification Sherloc (09022015). Collection method: clinical testing. Allele origin: germline.
Comment: This sequence change replaces proline, which is neutral and non-polar, with threonine, which is neutral and polar, at codon 259 of the KANK2 protein (p.Pro259Thr). This variant is present in population databases (rs777245087, gnomAD 0.003%). This variant has not been reported in the literature in individuals affected with KANK2-related conditions. An algorithm developed to predict the effect of missense changes on protein structure and function outputs the following: PolyPhen-2: "Benign". The threonine amino acid residue is found in multiple mammalian species, which suggests that this missense change does not adversely affect protein function. In summary, the available evidence is currently insufficient to determine the role of this variant in disease. Therefore, it has been classified as a Variant of Uncertain Significance.